The following is an entry in ClinVar:

ClinVar aggregate classification (germline): Likely benign (1 of 4 stars; one submission).

Allele frequency attached by ClinVar (database versions not stated): 1000 Genomes Project 30x 0.00016; 1000 Genomes Project 0.00020; ExAC 0.00048.
gnomAD v4.1: 122 of 1,537,732 alleles (0.0079%); highest among the groups gnomAD compares: South Asian, 0.081%; 1 homozygote.

Submission:

CeGaT Center for Human Genetics Tuebingen
Classification: Likely benign. Last evaluated: 2023-04-01. Review status: criteria provided, single submitter. Criteria: CeGaT Center For Human Genetics Tuebingen Variant Classification Criteria Version 2. Collection method: clinical testing. Allele origin: germline. Affected: yes. Observed: 1 variant allele.
Comment: SETD1B: BP4, BP7

NM_001353345.2(SETD1B):c.4365C>T (p.Arg1455=)

Gene: SETD1B (SET domain containing 1B, histone lysine methyltransferase; plus strand). Cytogenetic location: 12q24.31.
Variant type: single nucleotide variant.
Coding change: c.4365C>T on transcript NM_001353345.2 (MANE Select); coding-DNA position 4365, C replaced by T.
Protein change: p.Arg1455=; no amino-acid change (arginine 1455 retained).
Molecular consequence: synonymous variant.
Genome position (GRCh38, 1-based): chr12:121,822,944, C>T. VCF-style: chr12-121822944-C-T. GRCh37 (hg19) VCF-style: chr12-122260850-C-T.
Identifiers: ClinVar variation 2643472 (VCV002643472.24), dbSNP rs543934117, ClinGen allele CA6839174.